The following is an entry in ClinVar:

NM_004371.4(COPA):c.823G>C (p.Val275Leu)

Gene: COPA (coat protein complex I subunit alpha; minus strand). Cytogenetic location: 1q23.2.
Variant type: single nucleotide variant.
Coding change: c.823G>C on transcript NM_004371.4 (MANE Select); coding-DNA position 823, G replaced by C.
Protein change: p.Val275Leu; replaces valine 275 with leucine.
Molecular consequence: missense variant.
Genome position (GRCh38, 1-based): chr1:160,314,009, C>G on the plus strand (G>C on the coding strand, the complement: COPA is on the minus strand). VCF-style: chr1-160314009-C-G. GRCh37 (hg19) VCF-style: chr1-160283799-C-G.
Other names: c.823G>C, p.Val275Leu (NM_001098398.2); short protein forms V275L.
Identifiers: ClinVar variation 4772861 (VCV004772861.1).

ClinVar aggregate classification (germline): Uncertain significance (1 of 4 stars; one submission).

Conditions:
Autoimmune interstitial lung disease-arthritis syndrome. Also called: Autoinflammation and autoimmunity, systemic, with immune dysregulation. Identifiers: Orphanet 444092, MedGen C5975714, MONDO:0014629.

Submission:

Labcorp Genetics (formerly Invitae), Labcorp
Classification: Uncertain significance for Autoimmune interstitial lung disease-arthritis syndrome. Last evaluated: 2025-05-13. Review status: criteria provided, single submitter. Criteria: Invitae Variant Classification Sherloc (09022015). Collection method: clinical testing. Allele origin: germline.
Comment: This sequence change replaces valine, which is neutral and non-polar, with leucine, which is neutral and non-polar, at codon 275 of the COPA protein (p.Val275Leu). This variant is not present in population databases (gnomAD no frequency). This variant has not been reported in the literature in individuals affected with COPA-related conditions. Invitae Evidence Modeling of protein sequence and biophysical properties (such as structural, functional, and spatial information, amino acid conservation, physicochemical variation, residue mobility, and thermodynamic stability) indicates that this missense variant is expected to disrupt COPA protein function with a positive predictive value of 80%. In summary, the available evidence is currently insufficient to determine the role of this variant in disease. Therefore, it has been classified as a Variant of Uncertain Significance.